The following is an entry in ClinVar:

ClinVar aggregate classification (germline): Uncertain significance (1 of 4 stars; one submission).

Conditions:
Familial melanoma. Also called: Hereditary melanoma; Hereditary cutaneous melanoma. Identifiers: Orphanet 618, MedGen C1512419, MONDO:0018961.

Submission:

Labcorp Genetics (formerly Invitae), Labcorp
Classification: Uncertain significance for Familial melanoma. Last evaluated: 2021-09-16. Review status: criteria provided, single submitter. Criteria: Invitae Variant Classification Sherloc (09022015). Collection method: clinical testing. Allele origin: germline.
Comment: This sequence change replaces glycine with alanine at codon 89 of the CDKN2A (p16INK4a) protein (p.Gly89Ala). The glycine residue is highly conserved and there is a small physicochemical difference between glycine and alanine. This variant is not present in population databases (ExAC no frequency). This variant has not been reported in the literature in individuals affected with CDKN2A (p16INK4a)-related conditions. Algorithms developed to predict the effect of missense changes on protein structure and function (SIFT, PolyPhen-2, Align-GVGD) all suggest that this variant is likely to be disruptive. In summary, the available evidence is currently insufficient to determine the role of this variant in disease. Therefore, it has been classified as a Variant of Uncertain Significance.

NM_000077.5(CDKN2A):c.266G>C (p.Gly89Ala)

Gene: CDKN2A (cyclin dependent kinase inhibitor 2A; minus strand). Cytogenetic location: 9p21.3.
Variant type: single nucleotide variant.
Coding change: c.266G>C on transcript NM_000077.5; coding-DNA position 266, G replaced by C.
Protein change: p.Gly89Ala; replaces glycine 89 with alanine.
Molecular consequence: missense variant (on NM_000077.6). On other transcripts: synonymous variant (1), 3 prime UTR variant (1).
Genome position (GRCh38, 1-based): chr9:21,971,093, C>G on the plus strand (G>C on the coding strand, the complement: CDKN2A is on the minus strand). VCF-style: chr9-21971093-C-G. GRCh37 (hg19) VCF-style: chr9-21971092-C-G.
Other names: c.266G>C, p.Gly89Ala (NM_000077.6, NM_001195132.2); c.113G>C, p.Gly38Ala (NM_001363763.2); c.309G>C, p.Gly103= (NM_058195.4); c.*189G>C (NM_058197.5); short protein forms G89A, G38A.
Identifiers: ClinVar variation 565793 (VCV000565793.6), dbSNP rs137854599, ClinGen allele CA373086196.